The following is an entry in ClinVar:

ClinVar aggregate classification (germline): Pathogenic/Likely pathogenic. Review status: criteria provided, multiple submitters, no conflicts (2 of 4 stars). 4 submissions from 4 submitters: Pathogenic (3); Likely pathogenic (1). Last evaluated 2023-09-12.

Conditions:
Familial cancer of breast. Also called: BREAST CANCER, FAMILIAL; hereditary breast carcinoma; Hereditary breast cancer. Identifiers: Orphanet 227535, MedGen C0346153, MONDO:0016419, OMIM 114480. Disease mechanism: loss of function.
PALB2-related disorder. Also called: PALB2-related disorders; PALB2-related condition.
Hereditary cancer-predisposing syndrome. Also called: Hereditary Cancer Syndrome; Neoplastic Syndromes, Hereditary; Hereditary neoplastic syndrome; Tumor predisposition. Identifiers: Orphanet 140162, MedGen C0027672, MeSH D009386, MONDO:0015356.

Submissions (4):

Myriad Genetics, Inc.
Classification: Pathogenic for Familial cancer of breast. Last evaluated: 2023-09-12. Review status: criteria provided, single submitter. Criteria: Myriad Autosomal Dominant, Autosomal Recessive and X-Linked Classification Criteria (2023). Collection method: clinical testing. Allele origin: unknown.
Comment: This variant is considered pathogenic. This variant creates a termination codon and is predicted to result in premature protein truncation.

Blueprint Genetics
Classification: Likely pathogenic for PALB2-related disorders. Last evaluated: 2023-07-31. Review status: criteria provided, single submitter. Criteria: ACMG Guidelines, 2015. Collection method: clinical testing. Allele origin: germline. Affected: yes. Observed: 1 variant allele.

Ambry Genetics
Classification: Pathogenic for Hereditary cancer-predisposing syndrome. Last evaluated: 2023-04-18. Review status: criteria provided, single submitter. Criteria: Ambry Variant Classification Scheme 2023. Collection method: clinical testing. Allele origin: germline.
Comment: The p.Q829* pathogenic mutation (also known as c.2485C>T), located in coding exon 5 of the PALB2 gene, results from a C to T substitution at nucleotide position 2485. This changes the amino acid from a glutamine to a stop codon within coding exon 5. This variant has been identified in multiple breast cancer cohorts (Hayat M et al. JCO Glob Oncol, 2021 Sep;7:1462-1471; Park JS et al. Cancer Res Treat, 2022 Oct;54:1099-1110). In addition to the clinical data presented in the literature, this alteration is expected to result in loss of function by premature protein truncation or nonsense-mediated mRNA decay. This variant is considered to be rare based on population cohorts in the Genome Aggregation Database (gnomAD). As such, this alteration is interpreted as a disease-causing mutation.

Labcorp Genetics (formerly Invitae), Labcorp
Classification: Pathogenic for Familial cancer of breast. Last evaluated: 2022-12-14. Review status: criteria provided, single submitter. Criteria: Invitae Variant Classification Sherloc (09022015). Collection method: clinical testing. Allele origin: germline.
Comment: This sequence change creates a premature translational stop signal (p.Gln829*) in the PALB2 gene. It is expected to result in an absent or disrupted protein product. Loss-of-function variants in PALB2 are known to be pathogenic (PMID: 17200668, 17200671, 17200672, 24136930, 25099575). For these reasons, this variant has been classified as Pathogenic. ClinVar contains an entry for this variant (Variation ID: 845553). This variant has not been reported in the literature in individuals affected with PALB2-related conditions. This variant is not present in population databases (gnomAD no frequency).

Literature cited by the submitters: PubMed 34623906 (cited by Ambry Genetics); PubMed 34793666 (cited by Ambry Genetics); PubMed 17200668 (cited by Labcorp Genetics (formerly Invitae), Labcorp); PubMed 17200671 (cited by Labcorp Genetics (formerly Invitae), Labcorp); PubMed 17200672 (cited by Labcorp Genetics (formerly Invitae), Labcorp); PubMed 24136930 (cited by Labcorp Genetics (formerly Invitae), Labcorp); PubMed 25099575 (cited by Labcorp Genetics (formerly Invitae), Labcorp).

NM_024675.4(PALB2):c.2485C>T (p.Gln829Ter)

Gene: PALB2 (partner and localizer of BRCA2; minus strand). Cytogenetic location: 16p12.2.
Variant type: single nucleotide variant.
Coding change: c.2485C>T on transcript NM_024675.4 (MANE Select); coding-DNA position 2485, C replaced by T.
Protein change: p.Gln829Ter; replaces glutamine 829 with a stop codon.
Molecular consequence: nonsense.
Genome position (GRCh38, 1-based): chr16:23,629,669, G>A on the plus strand (C>T on the coding strand, the complement: PALB2 is on the minus strand). VCF-style: chr16-23629669-G-A. GRCh37 (hg19) VCF-style: chr16-23640990-G-A.
Other names: short protein forms Q829*.
Identifiers: ClinVar variation 845553 (VCV000845553.12), dbSNP rs1966855759, ClinGen allele CA395124018.